The following is an entry in ClinVar:

ClinVar aggregate classification (germline): Uncertain significance (1 of 4 stars; one submission).

Allele frequency attached by ClinVar (database versions not stated): gnomAD exomes below 0.00001; gnomAD 0.00001.

Submission:

Labcorp Genetics (formerly Invitae), Labcorp
Classification: Uncertain significance. Last evaluated: 2022-01-22. Review status: criteria provided, single submitter. Criteria: Invitae Variant Classification Sherloc (09022015). Collection method: clinical testing. Allele origin: germline.
Comment: This sequence change replaces proline, which is neutral and non-polar, with leucine, which is neutral and non-polar, at codon 594 of the SLC34A2 protein (p.Pro594Leu). In summary, the available evidence is currently insufficient to determine the role of this variant in disease. Therefore, it has been classified as a Variant of Uncertain Significance. Algorithms developed to predict the effect of missense changes on protein structure and function are either unavailable or do not agree on the potential impact of this missense change (SIFT: "Deleterious"; PolyPhen-2: "Probably Damaging"; Align-GVGD: "Class C0"). This variant has not been reported in the literature in individuals affected with SLC34A2-related conditions. This variant is present in population databases (no rsID available, gnomAD 0.0009%).

NM_006424.3(SLC34A2):c.1781C>T (p.Pro594Leu)

Gene: SLC34A2 (solute carrier family 34 member 2; plus strand). Cytogenetic location: 4p15.2.
Variant type: single nucleotide variant.
Coding change: c.1781C>T on transcript NM_006424.3 (MANE Select); coding-DNA position 1781, C replaced by T.
Protein change: p.Pro594Leu; replaces proline 594 with leucine.
Molecular consequence: missense variant.
Genome position (GRCh38, 1-based): chr4:25,676,457, C>T. VCF-style: chr4-25676457-C-T. GRCh37 (hg19) VCF-style: chr4-25678079-C-T.
Other names: c.1778C>T, p.Pro593Leu (NM_001177998.2, NM_001177999.2); short protein forms P593L, P594L.
Identifiers: ClinVar variation 1901726 (VCV001901726.5), dbSNP rs1327576349, ClinGen allele CA356572592.